The following is an entry in ClinVar:

ClinVar aggregate classification (germline): Uncertain significance (1 of 4 stars; one submission).

Submission:

Labcorp Genetics (formerly Invitae), Labcorp
Classification: Uncertain significance. Last evaluated: 2024-12-09. Review status: criteria provided, single submitter. Criteria: Invitae Variant Classification Sherloc (09022015). Collection method: clinical testing. Allele origin: germline.
Comment: This sequence change replaces glutamine, which is neutral and polar, with glutamic acid, which is acidic and polar, at codon 53 of the COQ9 protein (p.Gln53Glu). This variant is not present in population databases (gnomAD no frequency). This variant has not been reported in the literature in individuals affected with COQ9-related conditions. ClinVar contains an entry for this variant (Variation ID: 1714044). An algorithm developed to predict the effect of missense changes on protein structure and function (PolyPhen-2) suggests that this variant is likely to be tolerated. In summary, the available evidence is currently insufficient to determine the role of this variant in disease. Therefore, it has been classified as a Variant of Uncertain Significance.

NM_020312.4(COQ9):c.157C>G (p.Gln53Glu)

Gene: COQ9 (coenzyme Q9; plus strand). Cytogenetic location: 16q21.
Variant type: single nucleotide variant.
Coding change: c.157C>G on transcript NM_020312.4 (MANE Select); coding-DNA position 157, C replaced by G.
Protein change: p.Gln53Glu; replaces glutamine 53 with glutamic acid.
Molecular consequence: missense variant.
Genome position (GRCh38, 1-based): chr16:57,451,123, C>G. VCF-style: chr16-57451123-C-G. GRCh37 (hg19) VCF-style: chr16-57485035-C-G.
Other names: short protein forms Q53E.
Identifiers: ClinVar variation 1714044 (VCV001714044.5), dbSNP rs2543566429, ClinGen allele CA396026676.